The following is an entry in ClinVar:

ClinVar aggregate classification (germline): Uncertain significance (1 of 4 stars; one submission).

Allele frequency attached by ClinVar (database versions not stated): gnomAD 0.00001.
gnomAD v4.1: 16 of 1,613,908 alleles (0.00099%); highest among the groups gnomAD compares: African/African-American, 0.0093%; no homozygotes.

Submission:

Labcorp Genetics (formerly Invitae), Labcorp
Classification: Uncertain significance. Last evaluated: 2022-02-24. Review status: criteria provided, single submitter. Criteria: Invitae Variant Classification Sherloc (09022015). Collection method: clinical testing. Allele origin: germline.
Comment: This sequence change replaces proline, which is neutral and non-polar, with leucine, which is neutral and non-polar, at codon 1427 of the PCDH15 protein (p.Pro1427Leu). This variant is present in population databases (no rsID available, gnomAD 0.01%). This variant has not been reported in the literature in individuals affected with PCDH15-related conditions. Algorithms developed to predict the effect of missense changes on protein structure and function are either unavailable or do not agree on the potential impact of this missense change (SIFT: "Deleterious"; PolyPhen-2: "Benign"; Align-GVGD: "Class C0"). In summary, the available evidence is currently insufficient to determine the role of this variant in disease. Therefore, it has been classified as a Variant of Uncertain Significance.

NM_001384140.1(PCDH15):c.4280C>T (p.Pro1427Leu)

Gene: PCDH15 (protocadherin related 15; minus strand). Cytogenetic location: 10q21.1.
Variant type: single nucleotide variant.
Coding change: c.4280C>T on transcript NM_001384140.1 (MANE Select); coding-DNA position 4280, C replaced by T.
Protein change: p.Pro1427Leu; replaces proline 1427 with leucine.
Molecular consequence: missense variant.
Genome position (GRCh38, 1-based): chr10:53,827,480, G>A on the plus strand (C>T on the coding strand, the complement: PCDH15 is on the minus strand). VCF-style: chr10-53827480-G-A. GRCh37 (hg19) VCF-style: chr10-55587240-G-A.
Other names: c.4295C>T, p.Pro1432Leu (NM_001142763.2, NM_001142771.2); c.4280C>T, p.Pro1427Leu (NM_001142764.2, NM_001142770.3, NM_001142772.2 and 3 more transcripts); c.4067C>T, p.Pro1356Leu (NM_001142765.2); c.4271C>T, p.Pro1424Leu (NM_001142766.2); c.4160C>T, p.Pro1387Leu (NM_001142767.2); c.4214C>T, p.Pro1405Leu (NM_001142768.2, NM_001354404.2); c.4316C>T, p.Pro1439Leu (NM_001142769.4); c.4205C>T, p.Pro1402Leu (NM_001142773.2); and 1 more; short protein forms P1402L, P1405L, P1424L, P1434L, P1356L, P1387L, P1427L, P1432L.
Identifiers: ClinVar variation 2142173 (VCV002142173.1), dbSNP rs1054476980, ClinGen allele CA207224780.
Genomic context (GRCh38, chr10:53,827,480, plus strand): 5'-AGATGCGCACCTGGCGGAGGCGGCGGCGGCGGCGGGGGCGCTGCCACTGGTGCAGGAGCC[G>A]GCACTGCTGGTTTAGCCGCGGGTAATGCGGCCTGAATTCGTGCAGTCTTTGTACACTCAG-3'
Protein context (NP_001371069.1, residues 1417-1437): AALPAAKPAV[Pro1427Leu]APAPVAAPPP